The following is an entry in ClinVar:

ClinVar aggregate classification (germline): Uncertain significance (1 of 4 stars; one submission).

gnomAD v4.1: 19 of 1,613,926 alleles (0.0012%); highest among the groups gnomAD compares: Middle Eastern, 0.017%; no homozygotes.

Submission:

Women's Health and Genetics/Laboratory Corporation of America, LabCorp
Classification: Uncertain significance. Last evaluated: 2026-04-15. Review status: criteria provided, single submitter. Criteria: LabCorp Variant Classification Summary - May 2015. Collection method: clinical testing. Allele origin: germline.
Comment: Variant summary: TRPM7 c.5050C>T (p.Leu1684Phe) results in a non-conservative amino acid change in the encoded protein sequence. Algorithms developed to predict the effect of missense changes on protein structure and function are either unavailable or do not agree on the potential impact of this missense change. The variant allele was found at a frequency of 4e-06 in 249314 control chromosomes. The available data on variant occurrences in the general population are insufficient to allow any conclusion about variant significance. To our knowledge, no occurrence of c.5050C>T in individuals affected with TRPM7-related conditions and no experimental evidence demonstrating its impact on protein function have been reported. No submitters have cited clinical-significance assessments for this variant to ClinVar. Based on the evidence outlined above, the variant was classified as uncertain significance.

NM_017672.6(TRPM7):c.5050C>T (p.Leu1684Phe)

Gene: TRPM7 (transient receptor potential cation channel subfamily M member 7; minus strand). Cytogenetic location: 15q21.2.
Variant type: single nucleotide variant.
Coding change: c.5050C>T on transcript NM_017672.6 (MANE Select); coding-DNA position 5050, C replaced by T.
Protein change: p.Leu1684Phe; replaces leucine 1684 with phenylalanine.
Molecular consequence: missense variant. On other transcripts: non-coding transcript variant (3).
Genome position (GRCh38, 1-based): chr15:50,574,689, G>A on the plus strand (C>T on the coding strand, the complement: TRPM7 is on the minus strand). VCF-style: chr15-50574689-G-A. GRCh37 (hg19) VCF-style: chr15-50866886-G-A.
Other names: c.5047C>T, p.Leu1683Phe (NM_001301212.2); short protein forms L1683F, L1684F.
Identifiers: ClinVar variation 4848510 (VCV004848510.1).